The following is an entry in ClinVar:

NM_000153.4(GALC):c.1989G>A (p.Trp663Ter)

Gene: GALC (galactosylceramidase; minus strand). Cytogenetic location: 14q31.3.
Variant type: single nucleotide variant.
Coding change: c.1989G>A on transcript NM_000153.4 (MANE Select); coding-DNA position 1989, G replaced by A.
Protein change: p.Trp663Ter; replaces tryptophan 663 with a stop codon.
Molecular consequence: nonsense. On other transcripts: non-coding transcript variant (1), intron variant (1).
Genome position (GRCh38, 1-based): chr14:87,934,801, C>T on the plus strand (G>A on the coding strand, the complement: GALC is on the minus strand). VCF-style: chr14-87934801-C-T. GRCh37 (hg19) VCF-style: chr14-88401145-C-T.
Other names: c.1920G>A, p.Trp640Ter (NM_001201401.2); c.1911G>A, p.Trp637Ter (NM_001201402.2); c.1821G>A, p.Trp607Ter (NM_001424071.1, NM_001424072.1); c.1641G>A, p.Trp547Ter (NM_001424074.1, NM_001424075.1); c.1356G>A, p.Trp452Ter (NM_001424076.1, NM_001424077.1); c.1744-802G>A (NM_001424073.1); short protein forms W452*, W547*, W607*, W637*, W640*, W663*.
Identifiers: ClinVar variation 4081689 (VCV004081689.1).

ClinVar aggregate classification (germline): Likely pathogenic (1 of 4 stars; one submission).

Conditions:
Galactosylceramide beta-galactosidase deficiency. Also called: GALACTOCEREBROSIDASE DEFICIENCY; GALC DEFICIENCY; GLOBOID CELL LEUKOENCEPHALOPATHY; Leukodystrophy, Globoid Cell; Krabbe Disease. Identifiers: Orphanet 487, MedGen C0023521, MONDO:0009499, OMIM 245200.

Submission:

Myriad Genetics, Inc.
Classification: Likely pathogenic for Galactosylceramide beta-galactosidase deficiency. Last evaluated: 2025-04-15. Review status: criteria provided, single submitter. Criteria: Myriad Autosomal Dominant, Autosomal Recessive and X-Linked Classification Criteria (2023). Collection method: clinical testing. Allele origin: unknown.
Comment: NM_000153.3(GALC):c.1989G>A(W663*) is a nonsense variant classified as likely pathogenic in the context of Krabbe disease. W663* has been observed in a case with relevant disease (PMID: 16607461). Relevant functional assessments of this variant are available in the literature (PMID: 10234611). Internal structural analysis of the variant is supportive of pathogenicity. W663* has not been observed in referenced population frequency databases. In summary, NM_000153.3(GALC):c.1989G>A(W663*) is a nonsense variant that has both functional and internal structural support for pathogenicity and has been observed more frequently in cases with the relevant disease than in healthy populations. Please note: this variant was assessed in the context of healthy population screening.

Literature cited by the submitters: PubMed 10234611; PubMed 16607461.